The following is an entry in ClinVar:

ClinVar aggregate classification (germline): Uncertain significance (0 of 4 stars; one submission).

Conditions:
CHN2-related disorder. Also called: CHN2-related condition.

Submission:

PreventionGenetics, part of Exact Sciences
Classification: Uncertain significance for CHN2-related condition. Last evaluated: 2023-12-31. Review status: no assertion criteria provided. Collection method: clinical testing. Allele origin: germline.
Comment: The CHN2 c.697delinsATCC variant is predicted to result in an in-frame deletion and insertion. To our knowledge, this variant has not been reported in the literature or in a large population database, indicating this variant is rare. At this time, the clinical significance of this variant is uncertain due to the absence of conclusive functional and genetic evidence.

NM_004067.4(CHN2):c.472delinsATCC (p.Tyr158delinsIleHis)

Gene: CHN2 (chimerin 2; plus strand). Cytogenetic location: 7p14.3.
Variant type: Indel.
Coding change: c.472delinsATCC on transcript NM_004067.4 (MANE Select); coding-DNA position 472, T replaced by ATCC.
Protein change: p.Tyr158delinsIleHis.
Molecular consequence: inframe indel.
Genome position (GRCh38, 1-based): chr7:29,400,724, T replaced by ATCC. VCF-style: chr7-29400724-T-ATCC. GRCh37 (hg19) VCF-style: chr7-29440340-T-ATCC.
Other names: NM_001293069.1:c.697delinsATCC; c.511delinsATCC, p.Tyr171delinsIleHis (NM_001293070.2); c.367delinsATCC, p.Tyr123delinsIleHis (NM_001293071.2); c.427delinsATCC, p.Tyr143delinsIleHis (NM_001293072.2); c.34delinsATCC, p.Tyr12delinsIleHis (NM_001398427.1).
Identifiers: ClinVar variation 3051779 (VCV003051779.2), dbSNP rs2486037446, ClinGen allele CA2740097329.
Genomic context (GRCh38, chr7:29,400,724, plus strand): 5'-ACAAAAGCTGCCGAGTACATTTCAAAAATGACAACTAACCCCATCTATGAACACATTGGA[T>ATCC]ATGCCACCCTACTCAGAGAAAAAGTATCCAGAAGGCTGAGCAGGTCTAAAAATGAACCAA-3'